The following is an entry in ClinVar:

ClinVar aggregate classification (germline): Uncertain significance (1 of 4 stars; one submission).

Conditions:
Inborn genetic diseases. Identifiers: MedGen C0950123, MeSH D030342.

Submission:

Ambry Genetics
Classification: Uncertain significance for Inborn genetic diseases. Last evaluated: 2022-06-21. Review status: criteria provided, single submitter. Criteria: Ambry Variant Classification Scheme 2023. Collection method: clinical testing. Allele origin: germline.
Comment: The p.Y359C variant (also known as c.1076A>G), located in coding exon 7 of the SETX gene, results from an A to G substitution at nucleotide position 1076. The tyrosine at codon 359 is replaced by cysteine, an amino acid with highly dissimilar properties. This amino acid position is conserved. In addition, this alteration is predicted to be tolerated by in silico analysis. Since supporting evidence is limited at this time, the clinical significance of this alteration remains unclear.

NM_015046.7(SETX):c.1076A>G (p.Tyr359Cys)

Gene: SETX (senataxin; minus strand). Cytogenetic location: 9q34.13.
Variant type: single nucleotide variant.
Coding change: c.1076A>G on transcript NM_015046.7 (MANE Select); coding-DNA position 1076, A replaced by G.
Protein change: p.Tyr359Cys; replaces tyrosine 359 with cysteine.
Molecular consequence: missense variant.
Genome position (GRCh38, 1-based): chr9:132,331,074, T>C on the plus strand (A>G on the coding strand, the complement: SETX is on the minus strand). VCF-style: chr9-132331074-T-C. GRCh37 (hg19) VCF-style: chr9-135206461-T-C.
Other names: c.1076A>G, p.Tyr359Cys (NM_001351527.2, NM_001351528.2); short protein forms Y359C.
Identifiers: ClinVar variation 1784873 (VCV001784873.2), dbSNP rs2539140291, ClinGen allele CA375345800.